The following is an entry in ClinVar:

ClinVar aggregate classification (germline): Uncertain significance (1 of 4 stars; one submission).

gnomAD v4.1: 3 of 1,614,278 alleles (0.00019%); highest among the groups gnomAD compares: Non-Finnish European, 0.00025%; no homozygotes.

Submission:

Labcorp Genetics (formerly Invitae), Labcorp
Classification: Uncertain significance. Last evaluated: 2025-01-15. Review status: criteria provided, single submitter. Criteria: Invitae Variant Classification Sherloc (09022015). Collection method: clinical testing. Allele origin: germline.
Comment: This sequence change replaces glycine, which is neutral and non-polar, with serine, which is neutral and polar, at codon 237 of the DIP2C protein (p.Gly237Ser). This variant is not present in population databases (gnomAD no frequency). This variant has not been reported in the literature in individuals affected with DIP2C-related conditions. An algorithm developed to predict the effect of missense changes on protein structure and function (PolyPhen-2) suggests that this variant is likely to be tolerated. In summary, the available evidence is currently insufficient to determine the role of this variant in disease. Therefore, it has been classified as a Variant of Uncertain Significance.

NM_014974.3(DIP2C):c.709G>A (p.Gly237Ser)

Gene: DIP2C (DIP2 acetate--CoA ligase C (putative); minus strand). Cytogenetic location: 10p15.3.
Variant type: single nucleotide variant.
Coding change: c.709G>A on transcript NM_014974.3 (MANE Select); coding-DNA position 709, G replaced by A.
Protein change: p.Gly237Ser; replaces glycine 237 with serine.
Molecular consequence: missense variant.
Genome position (GRCh38, 1-based): chr10:419,095, C>T on the plus strand (G>A on the coding strand, the complement: DIP2C is on the minus strand). VCF-style: chr10-419095-C-T. GRCh37 (hg19) VCF-style: chr10-465035-C-T.
Other names: short protein forms G237S.
Identifiers: ClinVar variation 3678327 (VCV003678327.2).